The following is an entry in ClinVar:

ClinVar aggregate classification (germline): Pathogenic/Likely pathogenic. Review status: criteria provided, multiple submitters, no conflicts (2 of 4 stars). 3 submissions from 3 submitters: Pathogenic (1); Likely pathogenic (2). Last evaluated 2024-08-28.

Conditions:
Achondrogenesis, type IB (ACG1B). Also called: Achondrogenesis Type 1B. Identifiers: Orphanet 932, Orphanet 93298, MedGen C0265274, MONDO:0010966, OMIM 600972.
Diastrophic dysplasia (DTD). Also called: Diastrophic dwarfism. Identifiers: Orphanet 628, MedGen C0220726, MONDO:0009107, OMIM 222600.
Atelosteogenesis type II (AO2). Also called: Neonatal osseous dysplasia 1; SLC26A2-Related Atelosteogenesis; NEONATAL OSSEOUS DYSPLASIA I. Identifiers: Orphanet 56304, MedGen C1850554, MONDO:0009727, OMIM 256050.
Multiple epiphyseal dysplasia type 4 (EDM4). Also called: Multiple Epiphyseal Dysplasia, Recessive; SLC26A2-Related Multiple Epiphyseal Dysplasia; MULTIPLE EPIPHYSEAL DYSPLASIA WITH BILAYERED PATELLAE; MULTIPLE EPIPHYSEAL DYSPLASIA WITH CLUBFOOT; MULTIPLE EPIPHYSEAL DYSPLASIA, AUTOSOMAL RECESSIVE. Identifiers: Orphanet 93307, MedGen C1847593, MONDO:0009189, OMIM 226900.

Submissions (3):

Labcorp Genetics (formerly Invitae), Labcorp
Classification: Pathogenic for Atelosteogenesis type II; Multiple epiphyseal dysplasia type 4; Achondrogenesis, type IB; Diastrophic dysplasia. Last evaluated: 2024-08-28. Review status: criteria provided, single submitter. Criteria: Invitae Variant Classification Sherloc (09022015). Collection method: clinical testing. Allele origin: germline.
Comment: This sequence change creates a premature translational stop signal (p.Gln79*) in the SLC26A2 gene. It is expected to result in an absent or disrupted protein product. Loss-of-function variants in SLC26A2 are known to be pathogenic (PMID: 7923357, 10482955, 11241838). This variant is not present in population databases (gnomAD no frequency). This variant has not been reported in the literature in individuals affected with SLC26A2-related conditions. ClinVar contains an entry for this variant (Variation ID: 976051). For these reasons, this variant has been classified as Pathogenic.

Baylor Genetics
Classification: Likely pathogenic for Achondrogenesis, type IB. Last evaluated: 2024-01-09. Review status: criteria provided, single submitter. Criteria: ACMG Guidelines, 2015. Collection method: clinical testing. Allele origin: unknown.

Institute of Human Genetics, University of Leipzig Medical Center
Classification: Likely pathogenic for Achondrogenesis, type IB. Last evaluated: 2018-09-24. Review status: criteria provided, single submitter. Criteria: ACMG Guidelines, 2015. Collection method: clinical testing. Allele origin: germline. Affected: yes. Observed: 1 variant allele.
Comment: This variant was identified as homozygous

Literature cited by the submitters: PubMed 7923357 (cited by Labcorp Genetics (formerly Invitae), Labcorp); PubMed 10482955 (cited by Labcorp Genetics (formerly Invitae), Labcorp); PubMed 11241838 (cited by Labcorp Genetics (formerly Invitae), Labcorp).

NM_000112.4(SLC26A2):c.235C>T (p.Gln79Ter)

Gene: SLC26A2 (solute carrier family 26 member 2; plus strand). Cytogenetic location: 5q32.
Variant type: single nucleotide variant.
Coding change: c.235C>T on transcript NM_000112.4 (MANE Select); coding-DNA position 235, C replaced by T.
Protein change: p.Gln79Ter; replaces glutamine 79 with a stop codon.
Molecular consequence: nonsense.
Genome position (GRCh38, 1-based): chr5:149,977,887, C>T. VCF-style: chr5-149977887-C-T. GRCh37 (hg19) VCF-style: chr5-149357450-C-T.
Other names: short protein forms Q79*.
Identifiers: ClinVar variation 976051 (VCV000976051.6), dbSNP rs1755020578, ClinGen allele CA361704482.
Genomic context (GRCh38, chr5:149,977,887, plus strand): 5'-CAAGAGAAATCAGATACAAACTTCAAGGAGTTTGTTATTAAAAAGCTGCAGAAGAATTGC[C>T]AGTGCAGTCCAGCCAAAGCCAAAAATATGATTTTAGGTTTCCTTCCTGTTTTGCAGTGGC-3'